The following is an entry in ClinVar:

ClinVar aggregate classification (germline): Uncertain significance (1 of 4 stars; one submission).

Conditions:
DICER1-related tumor predisposition. Also called: DICER1 syndrome; DICER1-related pleuropulmonary blastoma cancer predisposition syndrome. Identifiers: Orphanet 284343, MedGen C3839822, MONDO:0100216.

Submission:

Labcorp Genetics (formerly Invitae), Labcorp
Classification: Uncertain significance for DICER1-related tumor predisposition. Last evaluated: 2024-06-19. Review status: criteria provided, single submitter. Criteria: Invitae Variant Classification Sherloc (09022015). Collection method: clinical testing. Allele origin: germline.
Comment: This sequence change replaces proline, which is neutral and non-polar, with leucine, which is neutral and non-polar, at codon 1002 of the DICER1 protein (p.Pro1002Leu). This variant is not present in population databases (gnomAD no frequency). This variant has not been reported in the literature in individuals affected with DICER1-related conditions. Advanced modeling of protein sequence and biophysical properties (such as structural, functional, and spatial information, amino acid conservation, physicochemical variation, residue mobility, and thermodynamic stability) performed at Invitae indicates that this missense variant is expected to disrupt DICER1 protein function with a positive predictive value of 80%. In summary, the available evidence is currently insufficient to determine the role of this variant in disease. Therefore, it has been classified as a Variant of Uncertain Significance.

NM_177438.3(DICER1):c.3005C>T (p.Pro1002Leu)

Gene: DICER1 (dicer 1, ribonuclease III; minus strand). Cytogenetic location: 14q32.13.
Variant type: single nucleotide variant.
Coding change: c.3005C>T on transcript NM_177438.3 (MANE Select); coding-DNA position 3005, C replaced by T.
Protein change: p.Pro1002Leu; replaces proline 1002 with leucine.
Molecular consequence: missense variant. On other transcripts: non-coding transcript variant (6).
Genome position (GRCh38, 1-based): chr14:95,105,766, G>A on the plus strand (C>T on the coding strand, the complement: DICER1 is on the minus strand). VCF-style: chr14-95105766-G-A. GRCh37 (hg19) VCF-style: chr14-95572103-G-A.
Other names: c.3005C>T, p.Pro1002Leu (NM_001195573.1, NM_001271282.3, NM_001291628.2 and 12 more transcripts); c.2723C>T, p.Pro908Leu (NM_001395686.1); c.2600C>T, p.Pro867Leu (NM_001395687.1, NM_001395688.1, NM_001395689.1 and 2 more transcripts); c.2438C>T, p.Pro813Leu (NM_001395691.1); c.1322C>T, p.Pro441Leu (NM_001395697.1); short protein forms P441L, P867L, P908L, P1002L, P813L.
Identifiers: ClinVar variation 3648255 (VCV003648255.2).